The following is an entry in ClinVar:

NM_001256789.3(CACNA1F):c.1767G>C (p.Val589=)

Gene: CACNA1F (calcium voltage-gated channel subunit alpha1 F; minus strand). Cytogenetic location: Xp11.23.
Variant type: single nucleotide variant.
Coding change: c.1767G>C on transcript NM_001256789.3 (MANE Select); coding-DNA position 1767, G replaced by C.
Protein change: p.Val589=; no amino-acid change (valine 589 retained).
Molecular consequence: synonymous variant.
Genome position (GRCh38, 1-based): chrX:49,224,871, C>G on the plus strand (G>C on the coding strand, the complement: CACNA1F is on the minus strand). VCF-style: chrX-49224871-C-G. GRCh37 (hg19) VCF-style: chrX-49081333-C-G.
Other names: c.1605G>C, p.Val535= (NM_001256790.3); c.1800G>C, p.Val600= (NM_005183.4).
Identifiers: ClinVar variation 4978808 (VCV004978808.1).

ClinVar aggregate classification (germline): Likely benign (1 of 4 stars; one submission).

Conditions:
CACNA1F-related disorder. Also called: CACNA1F-related condition.

gnomAD v4.1: 2 of 1,204,576 alleles (0.00017%); highest among the groups gnomAD compares: East Asian, 0.0059%; no homozygotes.

Submission:

PreventionGenetics, part of Exact Sciences
Classification: Likely benign for CACNA1F-related condition. Last evaluated: 2026-06-25. Review status: criteria provided, single submitter. Criteria: ACMG Guidelines, 2015. Collection method: clinical testing. Allele origin: germline.
Comment: This variant is classified as likely benign based on ACMG/AMP sequence variant interpretation guidelines (Richards et al. 2015 PMID: 25741868, with internal and published modifications).